The following is an entry in ClinVar:

ClinVar aggregate classification (germline): Uncertain significance (1 of 4 stars; one submission).

Conditions:
Capillary malformation-arteriovenous malformation syndrome. Also called: Capillary malformation-arteriovenous malformation. Identifiers: Orphanet 137667, MedGen C1842180, MONDO:0012016.

Submission:

Labcorp Genetics (formerly Invitae), Labcorp
Classification: Uncertain significance for Capillary malformation-arteriovenous malformation syndrome. Last evaluated: 2023-11-27. Review status: criteria provided, single submitter. Criteria: Invitae Variant Classification Sherloc (09022015). Collection method: clinical testing. Allele origin: germline.
Comment: This sequence change replaces aspartic acid, which is acidic and polar, with glutamic acid, which is acidic and polar, at codon 816 of the RASA1 protein (p.Asp816Glu). This variant is not present in population databases (gnomAD no frequency). This variant has not been reported in the literature in individuals affected with RASA1-related conditions. ClinVar contains an entry for this variant (Variation ID: 1430803). An algorithm developed to predict the effect of missense changes on protein structure and function (PolyPhen-2) suggests that this variant is likely to be disruptive. In summary, the available evidence is currently insufficient to determine the role of this variant in disease. Therefore, it has been classified as a Variant of Uncertain Significance.

NM_002890.3(RASA1):c.2448C>A (p.Asp816Glu)

Genes: CCNH (cyclin H; minus strand), RASA1 (RAS p21 protein activator 1; plus strand). Cytogenetic location: 5q14.3.
Variant type: single nucleotide variant.
Coding change: c.2448C>A on transcript NM_002890.3 (MANE Select); coding-DNA position 2448, C replaced by A.
Protein change: p.Asp816Glu; replaces aspartic acid 816 with glutamic acid.
Molecular consequence: missense variant. On other transcripts: intron variant (1).
Genome position (GRCh38, 1-based): chr5:87,378,499, C>A. VCF-style: chr5-87378499-C-A. GRCh37 (hg19) VCF-style: chr5-86674316-C-A.
Other names: c.1917C>A, p.Asp639Glu (NM_022650.3); c.933+16545G>T (NM_001364075.2); short protein forms D816E, D639E.
Identifiers: ClinVar variation 1430803 (VCV001430803.9), dbSNP rs1218464679, ClinGen allele CA360382590.